The following is an entry in ClinVar:

NM_020822.3(KCNT1):c.1783C>T (p.Leu595Phe)

Gene: KCNT1 (potassium sodium-activated channel subfamily T member 1; plus strand). Cytogenetic location: 9q34.3.
Variant type: single nucleotide variant.
Coding change: c.1783C>T on transcript NM_020822.3 (MANE Select); coding-DNA position 1783, C replaced by T.
Protein change: p.Leu595Phe; replaces leucine 595 with phenylalanine.
Molecular consequence: missense variant.
Genome position (GRCh38, 1-based): chr9:135,770,870, C>T. VCF-style: chr9-135770870-C-T. GRCh37 (hg19) VCF-style: chr9-138662716-C-T.
Other names: c.1648C>T, p.Leu550Phe (NM_001272003.2); short protein forms L550F, L595F.
Identifiers: ClinVar variation 937205 (VCV000937205.10), dbSNP rs950983477, ClinGen allele CA201473324.

ClinVar aggregate classification (germline): Uncertain significance. Review status: criteria provided, multiple submitters, no conflicts (2 of 4 stars). 3 submissions from 3 submitters: Uncertain significance (3). Last evaluated 2025-11-01.

Conditions:
Autosomal dominant nocturnal frontal lobe epilepsy 5. Also called: KCNT1-Related Epilepsy; CILIARY DYSKINESIA, PRIMARY, 28, WITHOUT SITUS INVERSUS; CILIARY DYSKINESIA, PRIMARY, 28, WITH SITUS INVERSUS; Epilepsy, nocturnal frontal lobe, 5. Identifiers: Orphanet 98784, MedGen C3554306, MONDO:0014002, OMIM 615005.
Developmental and epileptic encephalopathy, 14 (DEE14). Also called: Early infantile epileptic encephalopathy 14. Identifiers: Orphanet 293181, MedGen C3554195, MONDO:0013989, OMIM 614959.

Allele frequency attached by ClinVar (database versions not stated): gnomAD exomes 0.00001; TOPMed 0.00003; gnomAD 0.00004.

Submissions (3):

Labcorp Genetics (formerly Invitae), Labcorp
Classification: Uncertain significance for Autosomal dominant nocturnal frontal lobe epilepsy 5; Developmental and epileptic encephalopathy, 14. Last evaluated: 2025-11-01. Review status: criteria provided, single submitter. Criteria: Invitae Variant Classification Sherloc (09022015). Collection method: clinical testing. Allele origin: germline.
Comment: This sequence change replaces leucine, which is neutral and non-polar, with phenylalanine, which is neutral and non-polar, at codon 595 of the KCNT1 protein (p.Leu595Phe). This variant is present in population databases (no rsID available, gnomAD 0.02%). This variant has not been reported in the literature in individuals affected with KCNT1-related conditions. ClinVar contains an entry for this variant (Variation ID: 937205). Invitae Evidence Modeling of protein sequence and biophysical properties (such as structural, functional, and spatial information, amino acid conservation, physicochemical variation, residue mobility, and thermodynamic stability) indicates that this missense variant is expected to disrupt KCNT1 protein function with a positive predictive value of 80%. In summary, the available evidence is currently insufficient to determine the role of this variant in disease. Therefore, it has been classified as a Variant of Uncertain Significance.

GeneDx
Classification: Uncertain significance. Last evaluated: 2024-05-10. Review status: criteria provided, single submitter. Criteria: GeneDx Variant Classification Process June 2021. Collection method: clinical testing. Allele origin: germline. Affected: yes.
Comment: In silico analysis supports that this missense variant has a deleterious effect on protein structure/function; Has not been previously published as pathogenic or benign to our knowledge

Center for Genomics, Ann and Robert H. Lurie Children's Hospital of Chicago
Classification: Uncertain significance for Developmental and epileptic encephalopathy, 14; Autosomal dominant nocturnal frontal lobe epilepsy 5. Review status: criteria provided, single submitter. Criteria: ACMG Guidelines, 2015. Collection method: clinical testing. Allele origin: germline.
Comment: KCNT1 NM_020822.2 exon 18 p.Leu595Phe (c.1783C>T): This variant has not been reported in the literature but is present in 3/18742 African alleles in the Genome Aggregation Database. Evolutionary conservation and computational predictive tools suggest that this variant may impact the protein. In summary, data on this variant is insufficient for disease classification. Therefore, the clinical significance of this variant is uncertain.